The following is an entry in ClinVar:

ClinVar aggregate classification (germline): Benign/Likely benign. Review status: criteria provided, multiple submitters, no conflicts (2 of 4 stars). 3 submissions from 3 submitters: Benign (1); Likely benign (2). Last evaluated 2026-06-02.

Conditions:
Hereditary cancer-predisposing syndrome. Also called: Neoplastic Syndromes, Hereditary; Hereditary Cancer Syndrome; Hereditary neoplastic syndrome; Tumor predisposition. Identifiers: Orphanet 140162, MedGen C0027672, MeSH D009386, MONDO:0015356.
Gastrointestinal stromal tumor. Also called: Gastrointestinal stroma tumor; Gastrointestinal stromal tumor, somatic. Identifiers: Orphanet 44890, MedGen C0238198, MeSH D046152, MONDO:0011719, OMIM 606764, HP:0100723.

Allele frequency attached by ClinVar (database versions not stated): gnomAD 0.00001; gnomAD exomes 0.00001; ExAC 0.00002; ESP Exome Variant Server 0.00008.
gnomAD v4.1: 10 of 1,614,112 alleles (0.00062%); highest among the groups gnomAD compares: Admixed American, 0.0033%; no homozygotes.

Submissions (3):

Myriad Genetics, Inc.
Classification: Benign for Gastrointestinal stromal tumor. Last evaluated: 2026-06-02. Review status: criteria provided, single submitter. Criteria: Myriad Autosomal Dominant, Autosomal Recessive and X-Linked Classification Criteria (2023). Collection method: clinical testing. Allele origin: unknown.
Comment: This variant is considered benign. This variant is a silent/synonymous amino acid change and it is not expected to impact splicing.

Labcorp Genetics (formerly Invitae), Labcorp
Classification: Likely benign for Gastrointestinal stromal tumor. Last evaluated: 2026-02-01. Review status: criteria provided, single submitter. Criteria: Invitae Variant Classification Sherloc (09022015). Collection method: clinical testing. Allele origin: germline.

Ambry Genetics
Classification: Likely benign for Hereditary cancer-predisposing syndrome. Last evaluated: 2020-07-15. Review status: criteria provided, single submitter. Criteria: Ambry Variant Classification Scheme 2023. Collection method: clinical testing. Allele origin: germline.

NM_000222.3(KIT):c.276C>T (p.Thr92=)

Gene: KIT (KIT proto-oncogene, receptor tyrosine kinase; plus strand). Cytogenetic location: 4q12.
Variant type: single nucleotide variant.
Coding change: c.276C>T on transcript NM_000222.3 (MANE Select); coding-DNA position 276, C replaced by T.
Protein change: p.Thr92=; no amino-acid change (threonine 92 retained).
Molecular consequence: synonymous variant.
Genome position (GRCh38, 1-based): chr4:54,695,720, C>T. VCF-style: chr4-54695720-C-T. GRCh37 (hg19) VCF-style: chr4-55561886-C-T.
Other names: c.276C>T, p.Thr92= (NM_001093772.2, NM_001385284.1, NM_001385285.1 and 4 more transcripts).
Identifiers: ClinVar variation 1097313 (VCV001097313.12), dbSNP rs373066995, ClinGen allele CA2923195.